The following is an entry in ClinVar:

NM_000059.4(BRCA2):c.8446G>A (p.Gly2816Ser)

Gene: BRCA2 (BRCA2 DNA repair associated; plus strand). Cytogenetic location: 13q13.1.
Variant type: single nucleotide variant.
Coding change: c.8446G>A on transcript NM_000059.4 (MANE Select); coding-DNA position 8446, G replaced by A.
Protein change: p.Gly2816Ser; replaces glycine 2816 with serine.
Molecular consequence: missense variant.
Genome position (GRCh38, 1-based): chr13:32,370,516, G>A. VCF-style: chr13-32370516-G-A. GRCh37 (hg19) VCF-style: chr13-32944653-G-A.
Other names: short protein forms G2816S.
Identifiers: ClinVar variation 491352 (VCV000491352.14), dbSNP rs1555287651, ClinGen allele CA387752573.

ClinVar aggregate classification (germline): Uncertain significance. Review status: criteria provided, multiple submitters, no conflicts (2 of 4 stars). 3 submissions from 3 submitters: Uncertain significance (3). Last evaluated 2025-03-19.

Conditions:
Hereditary cancer-predisposing syndrome. Also called: Hereditary neoplastic syndrome; Tumor predisposition; Hereditary Cancer Syndrome; Neoplastic Syndromes, Hereditary. Identifiers: Orphanet 140162, MedGen C0027672, MeSH D009386, MONDO:0015356.
Hereditary breast ovarian cancer syndrome. Also called: Hereditary breast and/or ovarian cancer syndrome; BRCA1- and BRCA2-Associated Hereditary Breast and Ovarian Cancer; Breast and ovarian cancer; Hereditary breast and ovarian cancer; Hereditary breast and ovarian cancer syndrome; Hereditary breast and ovarian cancer syndrome (HBOC). Identifiers: Orphanet 145, MedGen C0677776, MeSH D061325, MONDO:0003582. Disease mechanism: loss of function.

Submissions (3):

Labcorp Genetics (formerly Invitae), Labcorp
Classification: Uncertain significance for Hereditary breast ovarian cancer syndrome. Last evaluated: 2025-03-19. Review status: criteria provided, single submitter. Criteria: Invitae Variant Classification Sherloc (09022015). Collection method: clinical testing. Allele origin: germline.
Comment: This sequence change replaces glycine, which is neutral and non-polar, with serine, which is neutral and polar, at codon 2816 of the BRCA2 protein (p.Gly2816Ser). This variant is not present in population databases (gnomAD no frequency). This variant has not been reported in the literature in individuals affected with BRCA2-related conditions. ClinVar contains an entry for this variant (Variation ID: 491352). Invitae Evidence Modeling of protein sequence and biophysical properties (such as structural, functional, and spatial information, amino acid conservation, physicochemical variation, residue mobility, and thermodynamic stability) indicates that this missense variant is not expected to disrupt BRCA2 protein function with a negative predictive value of 95%. In summary, the available evidence is currently insufficient to determine the role of this variant in disease. Therefore, it has been classified as a Variant of Uncertain Significance.

GeneDx
Classification: Uncertain significance. Last evaluated: 2024-01-09. Review status: criteria provided, single submitter. Criteria: GeneDx Variant Classification Process June 2021. Collection method: clinical testing. Allele origin: germline. Affected: yes.
Comment: Not observed at significant frequency in large population cohorts (gnomAD); In silico analysis supports that this missense variant does not alter protein structure/function; Has not been previously published as pathogenic or benign to our knowledge; Also known as 8674G>A; This variant is associated with the following publications: (PMID: 12228710)

Color Diagnostics, LLC DBA Color Health
Classification: Uncertain significance for Hereditary cancer-predisposing syndrome. Last evaluated: 2019-05-07. Review status: criteria provided, single submitter. Criteria: ACMG Guidelines, 2015. Collection method: clinical testing. Allele origin: germline.